The following is an entry in ClinVar:

NM_006009.4(TUBA1A):c.1204C>A (p.Arg402Ser)

Gene: TUBA1A (tubulin alpha 1a; minus strand). Cytogenetic location: 12q13.12.
Variant type: single nucleotide variant.
Coding change: c.1204C>A on transcript NM_006009.4 (MANE Select); coding-DNA position 1204, C replaced by A.
Protein change: p.Arg402Ser; replaces arginine 402 with serine.
Molecular consequence: missense variant.
Genome position (GRCh38, 1-based): chr12:49,185,162, G>T on the plus strand (C>A on the coding strand, the complement: TUBA1A is on the minus strand). VCF-style: chr12-49185162-G-T. GRCh37 (hg19) VCF-style: chr12-49578945-G-T.
Other names: c.1204C>A, p.Arg402Ser (NM_001270399.2); c.1099C>A, p.Arg367Ser (NM_001270400.2); short protein forms R402S, R367S.
Identifiers: ClinVar variation 160145 (VCV000160145.7), dbSNP rs587784483, ClinGen allele CA213254.
Genomic context (GRCh38, chr12:49,185,162, plus strand): 5'-GGGCCTCTGAAAACTCACCTTCCTCCATCCCCTCCCCAACGTACCAGTGAACAAAGGCAC[G>T]TTTGGCATACATCAGGTCAAACTTGTGGTCCAGGCGAGCCCAGGCCTCAGCAATGGCTGT-3'
Protein context (NP_006000.2, residues 392-412): DHKFDLMYAK[Arg402Ser]AFVHWYVGEG

ClinVar aggregate classification (germline): Likely pathogenic. Review status: criteria provided, multiple submitters, no conflicts (2 of 4 stars). 2 submissions from 2 submitters: Likely pathogenic (2). Last evaluated 2018-07-01.

Conditions:
Tubulinopathy. Also called: Tubulinopathies. Identifiers: MedGen CN850169, MONDO:0100153.
Lissencephaly due to TUBA1A mutation (CDCBM16). Also called: CORTICAL DYSPLASIA, COMPLEX, WITH OTHER BRAIN MALFORMATIONS 16; Lissencephaly 3. Identifiers: Orphanet 171680, MedGen C4305153, MONDO:0012703, OMIM 611603.

Submissions (2):

Institute of Human Genetics, FAU Erlangen, Friedrich-Alexander-Universität Erlangen-Nürnberg
Classification: Likely pathogenic for Tubulinopathies. Last evaluated: 2018-07-01. Review status: criteria provided, single submitter. Criteria: ACMG Guidelines, 2015. Collection method: literature only. Allele origin: germline. Affected: yes. Observed: 1 variant allele.
Comment: The c.1204C>A, p.(Arg402Ser) variant has been reported as a variant of germline/unknown origin.

Genetic Services Laboratory, University of Chicago
Classification: Likely pathogenic for Lissencephaly 3. Last evaluated: 2013-02-08. Review status: criteria provided, single submitter. Criteria: ACMG Guidelines, 2007. Collection method: clinical testing. Allele origin: germline. Inheritance: Autosomal dominant inheritance. Affected: yes.

Literature cited by the submitters: PubMed 30744660 (cited by Institute of Human Genetics, FAU Erlangen, Friedrich-Alexander-Universität Erlangen-Nürnberg); DOI 10.1101/427948 (cited by Institute of Human Genetics, FAU Erlangen, Friedrich-Alexander-Universität Erlangen-Nürnberg).